The following is an entry in ClinVar:

NM_000069.3(CACNA1S):c.4920A>G (p.Ser1640=)

Gene: CACNA1S (calcium voltage-gated channel subunit alpha1 S; minus strand). Cytogenetic location: 1q32.1.
Variant type: single nucleotide variant.
Coding change: c.4920A>G on transcript NM_000069.3 (MANE Select); coding-DNA position 4920, A replaced by G.
Protein change: p.Ser1640=; no amino-acid change (serine 1640 retained).
Molecular consequence: synonymous variant.
Genome position (GRCh38, 1-based): chr1:201,043,409, T>C on the plus strand (A>G on the coding strand, the complement: CACNA1S is on the minus strand). VCF-style: chr1-201043409-T-C. GRCh37 (hg19) VCF-style: chr1-201012537-T-C.
Identifiers: ClinVar variation 3386285 (VCV003386285.1).
Genomic context (GRCh38, chr1:201,043,409, plus strand): 5'-ATTGGCACGAGCCAGGGGGTTGGTGCGTGGATCTTGTGGGAAGTCCTCCAAGAAGACAGG[T>C]GACTCCATCTCTTCCATCTCTATCTCAGCAAACTGGAGGGGTCTCTGATTGGCCATGACG-3'
Protein context (NP_000060.2, residues 1630-1650): FAEIEMEEME[Ser1640=]PVFLEDFPQD

ClinVar aggregate classification (germline): Likely benign (1 of 4 stars; one submission).

Conditions:
Malignant hyperthermia, susceptibility to, 5 (MHS5). Also called: CACNA1S-Related Malignant Hyperthermia Susceptibility. Identifiers: Orphanet 423, MedGen C1866077, MONDO:0011163, OMIM 601887.

Submission:

All of Us Research Program, National Institutes of Health
Classification: Likely benign for Malignant hyperthermia, susceptibility to, 5. Last evaluated: 2024-04-16. Review status: criteria provided, single submitter. Criteria: ACMG Guidelines, 2015. Collection method: clinical testing. Allele origin: germline. Inheritance: Autosomal dominant inheritance. Observed: 1 variant allele, 1 heterozygote.
Comment: This study involves interpretation of variants in research participants for the purpose of population health screening. Participant phenotype was not available at the time of variant classification. Additional details can be found in publication PMID: 35346344, PMCID: PMC8962531